The following is an entry in ClinVar:

NM_033026.6(PCLO):c.5465G>A (p.Arg1822Lys)

Gene: PCLO (piccolo presynaptic cytomatrix protein; minus strand). Cytogenetic location: 7q21.11.
Variant type: single nucleotide variant.
Coding change: c.5465G>A on transcript NM_033026.6 (MANE Select); coding-DNA position 5465, G replaced by A.
Protein change: p.Arg1822Lys; replaces arginine 1822 with lysine.
Molecular consequence: missense variant.
Genome position (GRCh38, 1-based): chr7:82,955,488, C>T on the plus strand (G>A on the coding strand, the complement: PCLO is on the minus strand). VCF-style: chr7-82955488-C-T. GRCh37 (hg19) VCF-style: chr7-82584804-C-T.
Other names: c.5465G>A, p.Arg1822Lys (NM_014510.3); short protein forms R1822K.
Identifiers: ClinVar variation 1973490 (VCV001973490.2), dbSNP rs755205538, ClinGen allele CA4320646.

ClinVar aggregate classification (germline): Uncertain significance (1 of 4 stars; one submission).

Allele frequency attached by ClinVar (database versions not stated): TOPMed below 0.00001; ExAC 0.00001; gnomAD 0.00001; gnomAD exomes 0.00001.
gnomAD v4.1: 11 of 1,613,556 alleles (0.00068%); highest among the groups gnomAD compares: African/African-American, 0.0027%; no homozygotes.

Submission:

Labcorp Genetics (formerly Invitae), Labcorp
Classification: Uncertain significance. Last evaluated: 2022-02-03. Review status: criteria provided, single submitter. Criteria: Invitae Variant Classification Sherloc (09022015). Collection method: clinical testing. Allele origin: germline.
Comment: This sequence change replaces arginine, which is basic and polar, with lysine, which is basic and polar, at codon 1822 of the PCLO protein (p.Arg1822Lys). This variant is present in population databases (rs755205538, gnomAD 0.007%). This variant has not been reported in the literature in individuals affected with PCLO-related conditions. Algorithms developed to predict the effect of missense changes on protein structure and function are either unavailable or do not agree on the potential impact of this missense change (SIFT: "Tolerated"; PolyPhen-2: "Not Available"; Align-GVGD: "Class C0"). In summary, the available evidence is currently insufficient to determine the role of this variant in disease. Therefore, it has been classified as a Variant of Uncertain Significance.